The following is an entry in ClinVar:

NM_006180.6(NTRK2):c.644C>T (p.Thr215Ile)

Gene: NTRK2 (neurotrophic receptor tyrosine kinase 2; plus strand). Cytogenetic location: 9q21.33.
Variant type: single nucleotide variant.
Coding change: c.644C>T on transcript NM_006180.6 (MANE Select); coding-DNA position 644, C replaced by T.
Protein change: p.Thr215Ile; replaces threonine 215 with isoleucine.
Molecular consequence: missense variant.
Genome position (GRCh38, 1-based): chr9:84,723,633, C>T. VCF-style: chr9-84723633-C-T. GRCh37 (hg19) VCF-style: chr9-87338548-C-T.
Other names: c.644C>T, p.Thr215Ile (NM_001007097.3, NM_001018064.3, NM_001018065.2 and 18 more transcripts); c.176C>T, p.Thr59Ile (NM_001369535.1, NM_001369536.1, NM_001369550.1 and 2 more transcripts); short protein forms T215I, T59I.
Identifiers: ClinVar variation 3344740 (VCV003344740.1).

ClinVar aggregate classification (germline): Uncertain significance (0 of 4 stars; one submission).

Conditions:
NTRK2-related disorder. Also called: NTRK2-related condition.

Submission:

PreventionGenetics, part of Exact Sciences
Classification: Uncertain significance for NTRK2-related condition. Last evaluated: 2024-04-15. Review status: no assertion criteria provided. Collection method: clinical testing. Allele origin: germline.
Comment: The NTRK2 c.644C>T variant is predicted to result in the amino acid substitution p.Thr215Ile. To our knowledge, this variant has not been reported in the literature or in a large population database, indicating this variant is rare. At this time, the clinical significance of this variant is uncertain due to the absence of conclusive functional and genetic evidence.